The following is an entry in ClinVar:

ClinVar aggregate classification (germline): Uncertain significance (1 of 4 stars; one submission).

Submission:

Labcorp Genetics (formerly Invitae), Labcorp
Classification: Uncertain significance. Last evaluated: 2024-01-08. Review status: criteria provided, single submitter. Criteria: Invitae Variant Classification Sherloc (09022015). Collection method: clinical testing. Allele origin: germline.
Comment: This sequence change replaces leucine, which is neutral and non-polar, with valine, which is neutral and non-polar, at codon 1783 of the CEP250 protein (p.Leu1783Val). This variant is not present in population databases (gnomAD no frequency). This variant has not been reported in the literature in individuals affected with CEP250-related conditions. ClinVar contains an entry for this variant (Variation ID: 1006242). Algorithms developed to predict the effect of missense changes on protein structure and function output the following: SIFT: "Not Available"; PolyPhen-2: "Benign"; Align-GVGD: "Not Available". The valine amino acid residue is found in multiple mammalian species, which suggests that this missense change does not adversely affect protein function. In summary, the available evidence is currently insufficient to determine the role of this variant in disease. Therefore, it has been classified as a Variant of Uncertain Significance.

NM_007186.6(CEP250):c.5347C>G (p.Leu1783Val)

Gene: CEP250 (centrosomal protein 250; plus strand). Cytogenetic location: 20q11.22.
Variant type: single nucleotide variant.
Coding change: c.5347C>G on transcript NM_007186.6 (MANE Select); coding-DNA position 5347, C replaced by G.
Protein change: p.Leu1783Val; replaces leucine 1783 with valine.
Molecular consequence: missense variant.
Genome position (GRCh38, 1-based): chr20:35,503,716, C>G. VCF-style: chr20-35503716-C-G. GRCh37 (hg19) VCF-style: chr20-34091544-C-G.
Other names: c.3451C>G, p.Leu1151Val (NM_001318219.1); short protein forms L1151V, L1783V.
Identifiers: ClinVar variation 1006242 (VCV001006242.7), dbSNP rs2064092223, ClinGen allele CA408752619.
Genomic context (GRCh38, chr20:35,503,716, plus strand): 5'-CACAGGAAGGTAGGTGAGACCAGCCTCCTCCTGTCCCAGCGAGAGCAGGAAATAGTGGTC[C>G]TGCAGCAGCAACTGCAGGAAGCCAGGGAACAAGGGGAGCTGAAGGAGCAGTCACTTCAGA-3'
Protein context (NP_009117.2, residues 1773-1793): LSQREQEIVV[Leu1783Val]QQQLQEAREQ